The following is an entry in ClinVar:

NM_032777.10(ADGRA2):c.936G>A (p.Glu312=)

Gene: ADGRA2 (adhesion G protein-coupled receptor A2; plus strand). Cytogenetic location: 8p11.23.
Variant type: single nucleotide variant.
Coding change: c.936G>A on transcript NM_032777.10 (MANE Select); coding-DNA position 936, G replaced by A.
Protein change: p.Glu312=; no amino-acid change (glutamic acid 312 retained).
Molecular consequence: synonymous variant.
Genome position (GRCh38, 1-based): chr8:37,831,426, G>A. VCF-style: chr8-37831426-G-A. GRCh37 (hg19) VCF-style: chr8-37688944-G-A.
Identifiers: ClinVar variation 4872203 (VCV004872203.2).

ClinVar aggregate classification (germline): Likely benign (1 of 4 stars; one submission).

gnomAD v4.1: 3,636 of 1,610,546 alleles (0.23%); highest among the groups gnomAD compares: Middle Eastern, 0.75%; 7 homozygotes.

Submission:

CeGaT Center for Human Genetics Tuebingen
Classification: Likely benign. Last evaluated: 2026-05-01. Review status: criteria provided, single submitter. Criteria: CeGaT Center For Human Genetics Tuebingen Variant Classification Criteria Version 2. Collection method: clinical testing. Allele origin: germline. Affected: yes. Observed: 1 variant allele.
Comment: ADGRA2: BP4